The following is an entry in ClinVar:

ClinVar aggregate classification (germline): Benign/Likely benign. Review status: criteria provided, multiple submitters, no conflicts (2 of 4 stars). 5 submissions from 5 submitters: Benign (2); Likely benign (3). Last evaluated 2026-07-14.

Conditions:
Inborn genetic diseases. Identifiers: MedGen C0950123, MeSH D030342.
Nemaline myopathy 2 (NEM2). Also called: Nemaline myopathy 2, autosomal recessive. Identifiers: MedGen C1850569, MONDO:0009725, OMIM 256030.

Submissions (5):

Ambry Genetics
Classification: Likely benign for Inborn genetic diseases. Last evaluated: 2026-07-14. Review status: criteria provided, single submitter. Criteria: Ambry Variant Classification Scheme 2023. Collection method: clinical testing. Allele origin: germline.

Labcorp Genetics (formerly Invitae), Labcorp
Classification: Benign for Nemaline myopathy 2. Last evaluated: 2026-02-04. Review status: criteria provided, single submitter. Criteria: Invitae Variant Classification Sherloc (09022015). Collection method: clinical testing. Allele origin: germline.

GeneDx
Classification: Likely benign. Last evaluated: 2018-12-31. Review status: criteria provided, single submitter. Criteria: GeneDx Variant Classification Process June 2021. Collection method: clinical testing. Allele origin: germline. Affected: yes.

Laboratory for Molecular Medicine, Mass General Brigham Personalized Medicine
Classification: Likely benign. Last evaluated: 2014-12-19. Review status: criteria provided, single submitter. Criteria: LMM Criteria. Collection method: clinical testing. Allele origin: germline. Observed: 13 variant alleles.
Comment: NEB exons 82-105 are organized in three repetitive blocks of 8 exons each and be cause these blocks are nearly identical in sequence, homologous exons (e.g., exo ns 82, 90, and 98) are co-amplified and sequenced (each amplicon consists of 6 a lleles). This variant represents a nonhomologous position within the three repet itive blocks (c.13476C, c.14934T, and c.16392T). The variable alleles at this po sition are not expected to have clinical significance because these alleles do n ot alter an amino acid residue and are not located within the splice consensus s equence.

PreventionGenetics, part of Exact Sciences
Classification: Benign. Review status: criteria provided, single submitter. Criteria: ACMG Guidelines, 2015. Collection method: clinical testing. Allele origin: germline.

NM_001164508.2(NEB):c.13476C>T (p.Asp4492=)

Gene: NEB (nebulin; minus strand). Cytogenetic location: 2q23.3.
Variant type: single nucleotide variant.
Coding change: c.13476C>T on transcript NM_001164508.2 (MANE Select); coding-DNA position 13476, C replaced by T.
Protein change: p.Asp4492=; no amino-acid change (aspartic acid 4492 retained).
Molecular consequence: synonymous variant. On other transcripts: intron variant (1).
Genome position (GRCh38, 1-based): chr2:151,601,901, G>A on the plus strand (C>T on the coding strand, the complement: NEB is on the minus strand). VCF-style: chr2-151601901-G-A. GRCh37 (hg19) VCF-style: chr2-152458415-G-A.
Other names: c.13476C>T (NM_001164508.1); c.13476C>T, p.Asp4492= (NM_001164507.2, NM_001271208.2); c.11601+7908C>T (NM_004543.5).
Identifiers: ClinVar variation 227729 (VCV000227729.11), dbSNP rs876657541, ClinGen allele CA10576440.
Genomic context (GRCh38, chr2:151,601,901, plus strand): 5'-TAAACTCCCTCTATTTCTACTAGTTAGTGTTTGTTCCGGTTGGGAAGGAGGAGCTCTTAC[G>A]TCACTGGCAATATCCCTGGAAGCCTTGGCATGCTGGATCCCAATGGCATCTGCTCGCAGG-3'
Protein context (NP_001157980.2, residues 4482-4502): HAKASRDIAS[Asp4492=]YLYKTAYEKQ